The following is an entry in ClinVar:

NM_001378457.1(DMXL2):c.5949C>T (p.Asp1983=)

Gene: DMXL2 (Dmx like 2; minus strand). Cytogenetic location: 15q21.2.
Variant type: single nucleotide variant.
Coding change: c.5949C>T on transcript NM_001378457.1 (MANE Select); coding-DNA position 5949, C replaced by T.
Protein change: p.Asp1983=; no amino-acid change (aspartic acid 1983 retained).
Molecular consequence: synonymous variant. On other transcripts: non-coding transcript variant (2).
Genome position (GRCh38, 1-based): chr15:51,481,157, G>A on the plus strand (C>T on the coding strand, the complement: DMXL2 is on the minus strand). VCF-style: chr15-51481157-G-A. GRCh37 (hg19) VCF-style: chr15-51773354-G-A.
Other names: c.5949C>T (NM_001174116.1); c.5949C>T, p.Asp1983= (NM_001174116.3, NM_001378458.1, NM_001378459.1 and 4 more transcripts); c.4041C>T, p.Asp1347= (NM_001174117.3); c.3930C>T, p.Asp1310= (NM_001378460.1); c.5709C>T, p.Asp1903= (NM_001378464.1).
Identifiers: ClinVar variation 1605411 (VCV001605411.9), dbSNP rs780795858, ClinGen allele CA7561712.
Genomic context (GRCh38, chr15:51,481,157, plus strand): 5'-GGCATCTGTACTTTTCATCACTAAACCAACAGCATCGTCTTCCTCTTCATCTAAGGCACT[G>A]TCGTGATCTTCACCCCAATCAAGATTAAGAGGTTCCTCATCAACTTTTACTATTGGCTGA-3'
Protein context (NP_001365386.1, residues 1973-1993): PLNLDWGEDH[Asp1983=]SALDEEEDDA

ClinVar aggregate classification (germline): Likely benign. Review status: criteria provided, multiple submitters, no conflicts (2 of 4 stars). 2 submissions from 2 submitters: Likely benign (2). Last evaluated 2026-09-01.

Conditions:
DMXL2-related disorder. Also called: DMXL2-related condition.

Allele frequency attached by ClinVar (database versions not stated): ExAC 0.00001; gnomAD 0.00001; gnomAD exomes 0.00001; TOPMed 0.00001.
gnomAD v4.1: 9 of 1,613,408 alleles (0.00056%); highest among the groups gnomAD compares: East Asian, 0.018%; no homozygotes.

Submissions (2):

PreventionGenetics, part of Exact Sciences
Classification: Likely benign for DMXL2-related condition. Last evaluated: 2026-09-01. Review status: criteria provided, single submitter. Criteria: ACMG Guidelines, 2015. Collection method: clinical testing. Allele origin: germline.
Comment: This variant is classified as likely benign based on ACMG/AMP sequence variant interpretation guidelines (Richards et al. 2015 PMID: 25741868, with internal and published modifications).

Labcorp Genetics (formerly Invitae), Labcorp
Classification: Likely benign. Last evaluated: 2025-04-14. Review status: criteria provided, single submitter. Criteria: Invitae Variant Classification Sherloc (09022015). Collection method: clinical testing. Allele origin: germline.